The following is an entry in ClinVar:

NM_001035.3(RYR2):c.13327G>A (p.Glu4443Lys)

Gene: RYR2 (ryanodine receptor 2; plus strand). Cytogenetic location: 1q43.
Variant type: single nucleotide variant.
Coding change: c.13327G>A on transcript NM_001035.3 (MANE Select); coding-DNA position 13327, G replaced by A.
Protein change: p.Glu4443Lys; replaces glutamic acid 4443 with lysine.
Molecular consequence: missense variant.
Genome position (GRCh38, 1-based): chr1:237,786,035, G>A. VCF-style: chr1-237786035-G-A. GRCh37 (hg19) VCF-style: chr1-237949335-G-A.
Other names: short protein forms E4443K.
Identifiers: ClinVar variation 950407 (VCV000950407.13), dbSNP rs1409192667, ClinGen allele CA345416005.

ClinVar aggregate classification (germline): Conflicting classifications of pathogenicity. Review status: criteria provided, conflicting classifications (1 of 4 stars). 4 submissions from 4 submitters: Uncertain significance (3); Likely benign (1). Last evaluated 2025-09-14.

Conditions:
Cardiomyopathy (CMYO). Also called: Cardiomyopathies. Identifiers: Orphanet 167848, MedGen C0878544, MONDO:0004994, HP:0001638. Inheritance: Various modes of inheritance.
Cardiovascular phenotype. Identifiers: MedGen CN230736.
Catecholaminergic polymorphic ventricular tachycardia 1. Also called: VENTRICULAR TACHYCARDIA, STRESS-INDUCED POLYMORPHIC 1; RYR2-Related Catecholaminergic Polymorphic Ventricular Tachycardia; VENTRICULAR TACHYCARDIA, CATECHOLAMINERGIC POLYMORPHIC, 1, WITH OR WITHOUT ATRIAL DYSFUNCTION AND/OR DILATED CARDIOMYOPATHY. Identifiers: Orphanet 3286, MedGen C1631597, MONDO:0011484, OMIM 604772.

Allele frequency attached by ClinVar (database versions not stated): gnomAD 0.00003; TOPMed 0.00003.
gnomAD v4.1: 9 of 1,570,258 alleles (0.00057%); highest among the groups gnomAD compares: African/African-American, 0.0041%; no homozygotes.

Submissions (4):

Labcorp Genetics (formerly Invitae), Labcorp
Classification: Likely benign for Catecholaminergic polymorphic ventricular tachycardia 1. Last evaluated: 2025-09-14. Review status: criteria provided, single submitter. Criteria: Invitae Variant Classification Sherloc (09022015). Collection method: clinical testing. Allele origin: germline.

Color Diagnostics, LLC DBA Color Health
Classification: Uncertain significance for Cardiomyopathy. Last evaluated: 2025-06-23. Review status: criteria provided, single submitter. Criteria: ACMG Guidelines, 2015. Collection method: clinical testing. Allele origin: germline.
Comment: This missense variant replaces glutamic acid with lysine at codon 4443 of the RYR2 protein. Computational prediction suggests that this variant may not impact protein structure and function. To our knowledge, functional studies have not been reported for this variant. This variant has not been reported in individuals affected with RYR2-related disorders in the literature. This variant has been identified in 2/31404 chromosomes in the general population by the Genome Aggregation Database (gnomAD). The available evidence is insufficient to determine the role of this variant in disease conclusively. Therefore, this variant is classified as a Variant of Uncertain Significance.

Ambry Genetics
Classification: Uncertain significance for Cardiovascular phenotype. Last evaluated: 2025-06-13. Review status: criteria provided, single submitter. Criteria: Ambry Variant Classification Scheme 2023. Collection method: clinical testing. Allele origin: germline.
Comment: The p.E4443K variant (also known as c.13327G>A), located in coding exon 91 of the RYR2 gene, results from a G to A substitution at nucleotide position 13327. The glutamic acid at codon 4443 is replaced by lysine, an amino acid with similar properties. This amino acid position is highly conserved in available vertebrate species. In addition, the in silico prediction for this alteration is inconclusive. Based on the available evidence, the clinical significance of this variant remains unclear.

Women's Health and Genetics/Laboratory Corporation of America, LabCorp
Classification: Uncertain significance. Last evaluated: 2022-03-13. Review status: criteria provided, single submitter. Criteria: LabCorp Variant Classification Summary - May 2015. Collection method: clinical testing. Allele origin: germline.